The following is an entry in ClinVar:

ClinVar aggregate classification (germline): Uncertain significance. Review status: criteria provided, multiple submitters, no conflicts (2 of 4 stars). 2 submissions from 2 submitters: Uncertain significance (2). Last evaluated 2025-08-16.

Conditions:
Neutropenia, severe congenital, 1, autosomal dominant. Identifiers: MedGen C1859966, MONDO:0042490, OMIM 202700.
Cyclical neutropenia. Also called: Cyclic Neutropenia; Cyclic hematopoiesis. Identifiers: Orphanet 2686, MedGen C0221023, MONDO:0008090, OMIM 162800, HP:0040289. Disease mechanism: loss of function.
Inborn genetic diseases. Identifiers: MedGen C0950123, MeSH D030342.

Submissions (2):

Labcorp Genetics (formerly Invitae), Labcorp
Classification: Uncertain significance for Neutropenia, severe congenital, 1, autosomal dominant; Cyclical neutropenia. Last evaluated: 2025-08-16. Review status: criteria provided, single submitter. Criteria: Invitae Variant Classification Sherloc (09022015). Collection method: clinical testing. Allele origin: germline.
Comment: This sequence change replaces serine, which is neutral and polar, with phenylalanine, which is neutral and non-polar, at codon 179 of the ELANE protein (p.Ser179Phe). This variant is not present in population databases (gnomAD no frequency). This variant has not been reported in the literature in individuals affected with ELANE-related conditions. Invitae Evidence Modeling of protein sequence and biophysical properties (such as structural, functional, and spatial information, amino acid conservation, physicochemical variation, residue mobility, and thermodynamic stability) indicates that this missense variant is not expected to disrupt ELANE protein function with a negative predictive value of 95%. In summary, the available evidence is currently insufficient to determine the role of this variant in disease. Therefore, it has been classified as a Variant of Uncertain Significance.

Ambry Genetics
Classification: Uncertain significance for Inborn genetic diseases. Last evaluated: 2025-07-25. Review status: criteria provided, single submitter. Criteria: Ambry Variant Classification Scheme 2023. Collection method: clinical testing. Allele origin: germline.
Comment: The p.S179F variant (also known as c.536C>T), located in coding exon 4 of the ELANE gene, results from a C to T substitution at nucleotide position 536. The serine at codon 179 is replaced by phenylalanine, an amino acid with highly dissimilar properties. This amino acid position is conserved. In addition, the in silico prediction for this alteration is inconclusive. Based on the available evidence, the clinical significance of this variant remains unclear.

NM_001972.4(ELANE):c.536C>T (p.Ser179Phe)

Gene: ELANE (elastase, neutrophil expressed; plus strand). Cytogenetic location: 19p13.3.
Variant type: single nucleotide variant.
Coding change: c.536C>T on transcript NM_001972.4 (MANE Select); coding-DNA position 536, C replaced by T.
Protein change: p.Ser179Phe; replaces serine 179 with phenylalanine.
Molecular consequence: missense variant.
Genome position (GRCh38, 1-based): chr19:855,733, C>T. VCF-style: chr19-855733-C-T. GRCh37 (hg19) VCF-style: chr19-855733-C-T.
Other names: short protein forms S179F.
Identifiers: ClinVar variation 4248070 (VCV004248070.2).